The following is an entry in ClinVar:

ClinVar aggregate classification (germline): Likely benign (1 of 4 stars; one submission).

gnomAD v4.1: 13 of 398,688 alleles (0.0033%); highest among the groups gnomAD compares: Non-Finnish European, 0.0057%; no homozygotes.

Submission:

CeGaT Center for Human Genetics Tuebingen
Classification: Likely benign. Last evaluated: 2026-04-01. Review status: criteria provided, single submitter. Criteria: CeGaT Center For Human Genetics Tuebingen Variant Classification Criteria Version 2. Collection method: clinical testing. Allele origin: germline. Affected: yes. Observed: 1 variant allele.
Comment: KCNQ1OT1: BS2

NM_000218.3(KCNQ1):c.1514+25370T>G

Genes: KCNQ1 (potassium voltage-gated channel subfamily Q member 1; plus strand), KCNQ1OT1 (KCNQ1 opposite strand/antisense transcript 1; minus strand). Cytogenetic location: 11p15.5.
Variant type: single nucleotide variant.
Coding change: c.1514+25370T>G on transcript NM_000218.3 (MANE Select); 25370 bases into the intron after coding-DNA position 1514, T replaced by G.
Molecular consequence: intron variant. On other transcripts: non-coding transcript variant (1).
Genome position (GRCh38, 1-based): chr11:2,687,451, T>G. VCF-style: chr11-2687451-T-G. GRCh37 (hg19) VCF-style: chr11-2708681-T-G.
Other names: c.1244+25370T>G (NM_001406837.1); c.1418+25370T>G (NM_001406836.1); c.974+25370T>G (NM_001406838.1); c.1133+25370T>G (NM_181798.2).
Identifiers: ClinVar variation 4873995 (VCV004873995.2).